The following is an entry in ClinVar:

ClinVar aggregate classification (germline): Uncertain significance. Review status: criteria provided, multiple submitters, no conflicts (2 of 4 stars). 11 submissions from 11 submitters: Uncertain significance (9). 2 of the submissions do not count toward it. Last evaluated 2026-01-04.

Conditions:
PALB2-related disorder. Also called: PALB2-related condition; PALB2-related disorders.
Hereditary cancer-predisposing syndrome. Also called: Hereditary neoplastic syndrome; Tumor predisposition; Neoplastic Syndromes, Hereditary; Hereditary Cancer Syndrome. Identifiers: Orphanet 140162, MedGen C0027672, MeSH D009386, MONDO:0015356.
Familial cancer of breast. Also called: hereditary breast carcinoma; Hereditary breast cancer; BREAST CANCER, FAMILIAL. Identifiers: Orphanet 227535, MedGen C0346153, MONDO:0016419, OMIM 114480. Disease mechanism: loss of function.

Allele frequency attached by ClinVar (database versions not stated): gnomAD exomes below 0.00001; ExAC 0.00001; gnomAD 0.00001; TOPMed 0.00002.
gnomAD v4.1: 5 of 1,613,568 alleles (0.00031%); highest among the groups gnomAD compares: Middle Eastern, 0.016%; no homozygotes.

Submissions (11):

Labcorp Genetics (formerly Invitae), Labcorp
Classification: Uncertain significance for Familial cancer of breast. Last evaluated: 2026-01-04. Review status: criteria provided, single submitter. Criteria: Invitae Variant Classification Sherloc (09022015). Collection method: clinical testing. Allele origin: germline.
Comment: This sequence change replaces isoleucine, which is neutral and non-polar, with threonine, which is neutral and polar, at codon 1180 of the PALB2 protein (p.Ile1180Thr). This variant is present in population databases (rs180177139, gnomAD 0.0009%). This missense change has been observed in individual(s) with breast cancer and/or renal cancer (PMID: 20180015, 32830346, 33606809). ClinVar contains an entry for this variant (Variation ID: 126747). An algorithm developed to predict the effect of missense changes on protein structure and function (PolyPhen-2) suggests that this variant is likely to be disruptive. Experimental studies have shown that this missense change does not substantially affect PALB2 function (PMID: 31586400, 31757951). In summary, the available evidence is currently insufficient to determine the role of this variant in disease. Therefore, it has been classified as a Variant of Uncertain Significance.

Molecular Pathology, Peter Maccallum Cancer Centre
Classification: Uncertain significance for Familial cancer of breast. Last evaluated: 2024-10-18. Review status: criteria provided, single submitter. Criteria: ACMG Guidelines, 2015. Collection method: clinical testing. Allele origin: germline. Inheritance: Autosomal dominant inheritance.

Ambry Genetics
Classification: Uncertain significance for Hereditary cancer-predisposing syndrome. Last evaluated: 2024-04-24. Review status: criteria provided, single submitter. Criteria: Ambry Variant Classification Scheme 2023. Collection method: clinical testing. Allele origin: germline.
Comment: The p.I1180T variant (also known as c.3539T>C), located in coding exon 13 of the PALB2 gene, results from a T to C substitution at nucleotide position 3539. The isoleucine at codon 1180 is replaced by threonine, an amino acid with similar properties. This alteration has been identified in cohorts of individuals diagnosed with breast cancer, male breast cancer and kidney cancer (Silvestri V et al. Breast Cancer Res. Treat., 2010 Jul;122:299-301; Sandoval RL et al. PLoS One, 2021 Feb;16:e0247363; Smith PS et al. Genes Chromosomes Cancer, 2021 01;60:5-16). This alteration was found to be functionally inconclusive in a homology-directed DNA repair (HDR) assay (Wiltshire T et al. Genet Med, 2020 03;22:622-632). In another study, this alteration was found to be functionally normal by a homology-directed DNA repair (HDR) assay and a PARP inhibitor sensitivity assay (Boonen RACM et al. Nat Commun, 2019 11;10:5296). This amino acid position is well conserved in available vertebrate species. In addition, the in silico prediction for this alteration is inconclusive. Since supporting evidence is limited at this time, the clinical significance of this alteration remains unclear.

Baylor Genetics
Classification: Uncertain significance for Familial cancer of breast. Last evaluated: 2023-11-21. Review status: criteria provided, single submitter. Criteria: ACMG Guidelines, 2015. Collection method: clinical testing. Allele origin: unknown.

GeneDx
Classification: Uncertain significance. Last evaluated: 2023-11-06. Review status: criteria provided, single submitter. Criteria: GeneDx Variant Classification Process June 2021. Collection method: clinical testing. Allele origin: germline. Affected: yes.
Comment: In silico analysis supports that this missense variant has a deleterious effect on protein structure/function; Not observed at significant frequency in large population cohorts (gnomAD); This variant is associated with the following publications: (PMID: 20180015, 31586400, 31757951, 31636395, 30613976, 24485656, 19609323, 20871615, 33606809, 32830346)

Quest Diagnostics Nichols Institute San Juan Capistrano
Classification: Uncertain significance. Last evaluated: 2023-08-08. Review status: criteria provided, single submitter. Criteria: Quest Diagnostics criteria. Collection method: clinical testing. Allele origin: unknown.
Comment: In the published literature, this variant has been reported in individuals with breast cancer, male breast cancer, and kidney cancer (PMIDs: 20180015 (2010), 30613976 (2019), 33606809 (2021), and 32830346 (2021)). Studies have shown that this variant has no significant effect on PALB2 function using an HDR assay or PARP inhibitor sensitivity assay (PMIDs: 31757951 (2019), 31586400 (2019), and 31636395 (2020)). The frequency of this variant in the general population, 0.000004 (1/251458 chromosomes (Genome Aggregation Database)), is uninformative in the assessment of its pathogenicity. Analysis of this variant using bioinformatics tools for the prediction of the effect of amino acid changes on protein structure and function yielded predictions that this variant is damaging. Based on the available information, we are unable to determine the clinical significance of this variant.

Blueprint Genetics
Classification: Uncertain significance. Last evaluated: 2022-06-16. Review status: criteria provided, single submitter. Criteria: ACMG Guidelines, 2015. Collection method: clinical testing. Allele origin: germline.

Women's Health and Genetics/Laboratory Corporation of America, LabCorp
Classification: Uncertain significance. Last evaluated: 2022-01-23. Review status: criteria provided, single submitter. Criteria: LabCorp Variant Classification Summary - May 2015. Collection method: clinical testing. Allele origin: germline.
Comment: Variant summary: PALB2 c.3539T>C (p.Ile1180Thr) results in a non-conservative amino acid change in the encoded protein sequence. Four of five in-silico tools predict a damaging effect of the variant on protein function. The variant allele was found at a frequency of 4e-06 in 251458 control chromosomes. The available data on variant occurrences in the general population are insufficient to allow any conclusion about variant significance. c.3539T>C has been reported in the literature as a VUS in settings of multigene panel testing among individuals with male breast cancer/breast cancer (example, Silvestri_2010, Sandoval_2021, Rizzolo_2019). These report(s) do not provide unequivocal conclusions about association of the variant with Breast Cancer/PALB2-related disorders. Multiple publications report experimental evidence evaluating an impact on protein function (example, Boonen_2019, Wiltshire_2020). The most pronounced variant effect results in high homologous recombination activity ascertained at levels ranging from 70-80% of wild-type depending upon the study. Five clinical diagnostic laboratories have submitted clinical-significance assessments for this variant to ClinVar after 2014 without evidence for independent evaluation. All laboratories classified the variant as uncertain significance. Based on the evidence outlined above, the variant was classified as uncertain significance.

Color Diagnostics, LLC DBA Color Health
Classification: Uncertain significance for Hereditary cancer-predisposing syndrome. Last evaluated: 2018-09-12. Review status: criteria provided, single submitter. Criteria: ACMG Guidelines, 2015. Collection method: clinical testing. Allele origin: germline.

PreventionGenetics, part of Exact Sciences
Classification: Uncertain significance for PALB2-related condition. Last evaluated: 2024-07-30. Review status: no assertion criteria provided. Collection method: clinical testing. Allele origin: germline. Not counted in ClinVar's aggregate classification.
Comment: The PALB2 c.3539T>C variant is predicted to result in the amino acid substitution p.Ile1180Thr. This variant was reported in individuals with breast cancer (Table 1, Silvestri et al. 2010. PubMed ID: 20180015; Table S4, Sandoval et al. 2021. PubMed ID: 33606809) including males with breast cancer (Table 1, Silvestri et al. 2010. PubMed ID: 20180015; Supplementary Table 3, Rizzolo et al. 2019. PubMed ID: 30613976). Experimental studies have shown that this missense change does not have a significant effect on PALB2 function (Table S3 and Supplemental Figures S2 and S3, Rodrigue et al. 2019. PubMed ID: 31586400; Figures 2, 3A and 4A, Boonen et al. 2019. PubMed ID: 31757951). This variant is reported in 0.00088% of alleles in individuals of European (Non-Finnish) descent in gnomAD and is interpreted as a variant of uncertain significance in ClinVar. At this time, the clinical significance of this variant is uncertain due to the absence of conclusive functional and genetic evidence.

Leiden Open Variation Database
Classification: Uncertain significance for Familial cancer of breast. Last evaluated: 2019-05-13. Review status: no assertion criteria provided. Collection method: curation. Allele origin: germline. Affected: yes. Not counted in ClinVar's aggregate classification.
Comment: Curators: Marc Tischkowitz, Arleen D. Auerbach. Submitter to LOVD: Marc Tischkowitz.

Literature cited by the submitters: PubMed 20180015 (cited by 5 submitters); PubMed 32830346 (cited by 3 submitters); PubMed 33606809 (cited by 4 submitters); PubMed 31586400 (cited by Labcorp Genetics (formerly Invitae), Labcorp and Quest Diagnostics Nichols Institute San Juan Capistrano); PubMed 31757951 (cited by 4 submitters); PubMed 31636395 (cited by 3 submitters); PubMed 30613976 (cited by Quest Diagnostics Nichols Institute San Juan Capistrano and Women's Health and Genetics/Laboratory Corporation of America, LabCorp); PubMed 28825729 (cited by Quest Diagnostics Nichols Institute San Juan Capistrano); PubMed 30638972 (cited by Quest Diagnostics Nichols Institute San Juan Capistrano); PubMed 33195396 (cited by Quest Diagnostics Nichols Institute San Juan Capistrano).

NM_024675.4(PALB2):c.3539T>C (p.Ile1180Thr)

Gene: PALB2 (partner and localizer of BRCA2; minus strand). Cytogenetic location: 16p12.2.
Variant type: single nucleotide variant.
Coding change: c.3539T>C on transcript NM_024675.4 (MANE Select); coding-DNA position 3539, T replaced by C.
Protein change: p.Ile1180Thr; replaces isoleucine 1180 with threonine.
Molecular consequence: missense variant.
Genome position (GRCh38, 1-based): chr16:23,603,481, A>G on the plus strand (T>C on the coding strand, the complement: PALB2 is on the minus strand). VCF-style: chr16-23603481-A-G. GRCh37 (hg19) VCF-style: chr16-23614802-A-G.
Other names: short protein forms I1180T.
Identifiers: ClinVar variation 126747 (VCV000126747.27), dbSNP rs180177139, ClinGen allele CA269625.